The following is an entry in ClinVar:

NM_001205293.3(CACNA1E):c.3874A>G (p.Ile1292Val)

Gene: CACNA1E (calcium voltage-gated channel subunit alpha1 E; plus strand). Cytogenetic location: 1q25.3.
Variant type: single nucleotide variant.
Coding change: c.3874A>G on transcript NM_001205293.3 (MANE Select); coding-DNA position 3874, A replaced by G.
Protein change: p.Ile1292Val; replaces isoleucine 1292 with valine.
Molecular consequence: missense variant.
Genome position (GRCh38, 1-based): chr1:181,755,282, A>G. VCF-style: chr1-181755282-A-G. GRCh37 (hg19) VCF-style: chr1-181724418-A-G.
Other names: c.3874A>G, p.Ile1292Val (NM_000721.4); c.3817A>G, p.Ile1273Val (NM_001205294.2); short protein forms I1292V, I1273V.
Identifiers: ClinVar variation 4773244 (VCV004773244.1).

ClinVar aggregate classification (germline): Uncertain significance (1 of 4 stars; one submission).

Submission:

Labcorp Genetics (formerly Invitae), Labcorp
Classification: Uncertain significance. Last evaluated: 2025-09-14. Review status: criteria provided, single submitter. Criteria: Invitae Variant Classification Sherloc (09022015). Collection method: clinical testing. Allele origin: germline.
Comment: This sequence change replaces isoleucine, which is neutral and non-polar, with valine, which is neutral and non-polar, at codon 1292 of the CACNA1E protein (p.Ile1292Val). This variant is not present in population databases (gnomAD no frequency). This variant has not been reported in the literature in individuals affected with CACNA1E-related conditions. Invitae Evidence Modeling of protein sequence and biophysical properties (such as structural, functional, and spatial information, amino acid conservation, physicochemical variation, residue mobility, and thermodynamic stability) has been performed for this missense variant. However, the output from this modeling did not meet the statistical confidence thresholds required to predict the impact of this variant on CACNA1E protein function. In summary, the available evidence is currently insufficient to determine the role of this variant in disease. Therefore, it has been classified as a Variant of Uncertain Significance.